The following is an entry in ClinVar:

NM_001004334.4(GPR179):c.3508C>T (p.Arg1170Trp)

Gene: GPR179 (G protein-coupled receptor 179; minus strand). Cytogenetic location: 17q12.
Variant type: single nucleotide variant.
Coding change: c.3508C>T on transcript NM_001004334.4 (MANE Select); coding-DNA position 3508, C replaced by T.
Protein change: p.Arg1170Trp; replaces arginine 1170 with tryptophan.
Molecular consequence: missense variant.
Genome position (GRCh38, 1-based): chr17:38,330,061, G>A on the plus strand (C>T on the coding strand, the complement: GPR179 is on the minus strand). VCF-style: chr17-38330061-G-A. GRCh37 (hg19) VCF-style: chr17-36485944-G-A.
Other names: short protein forms R1170W.
Identifiers: ClinVar variation 892232 (VCV000892232.10), dbSNP rs201856624, ClinGen allele CA290105040.
Genomic context (GRCh38, chr17:38,330,061, plus strand): 5'-GTTCCCCTAGACCCTGGGTCATCCTCCTGCCTCTGTCTTCTTGTTCCCTGCTGCCCTCCC[G>A]TTGACAGACTTGGAGCATCCTGCTGGTGTGAGCGTTCTGTTGGTTCTGGAGGGACTCCTT-3'
Protein context (NP_001004334.3, residues 1160-1180): HTSRMLQVCQ[Arg1170Trp]EGSREQEDRG

ClinVar aggregate classification (germline): Conflicting classifications of pathogenicity. Review status: criteria provided, conflicting classifications (1 of 4 stars). 5 submissions from 5 submitters: Uncertain significance (4); Likely benign (1). Last evaluated 2025-06-30.

Conditions:
Inborn genetic diseases. Identifiers: MedGen C0950123, MeSH D030342.
Congenital stationary night blindness 1E. Also called: Night blindness, congenital stationary (complete), 1E, autosomal recessive. Identifiers: Orphanet 215, MedGen C3281215, MONDO:0013807, OMIM 614565.

Allele frequency attached by ClinVar (database versions not stated): gnomAD exomes 0.00007 and 0.00016; ESP Exome Variant Server 0.00008; TOPMed 0.00018; gnomAD 0.00019; ExAC 0.00020; 1000 Genomes Project 30x 0.00031; 1000 Genomes Project 0.00040.
gnomAD v4.1: 144 of 1,614,094 alleles (0.0089%); highest among the groups gnomAD compares: Middle Eastern, 0.12%; no homozygotes.

Submissions (5):

Ambry Genetics
Classification: Uncertain significance for Inborn genetic diseases. Last evaluated: 2025-06-30. Review status: criteria provided, single submitter. Criteria: Ambry Variant Classification Scheme 2023. Collection method: clinical testing. Allele origin: germline.

Blueprint Genetics
Classification: Likely benign. Last evaluated: 2024-05-20. Review status: criteria provided, single submitter. Criteria: ACMG Guidelines, 2015. Collection method: clinical testing. Allele origin: germline.

Labcorp Genetics (formerly Invitae), Labcorp
Classification: Uncertain significance. Last evaluated: 2022-08-12. Review status: criteria provided, single submitter. Criteria: Invitae Variant Classification Sherloc (09022015). Collection method: clinical testing. Allele origin: germline.
Comment: This sequence change replaces arginine, which is basic and polar, with tryptophan, which is neutral and slightly polar, at codon 1170 of the GPR179 protein (p.Arg1170Trp). This variant is present in population databases (rs201856624, gnomAD 0.02%). This variant has not been reported in the literature in individuals affected with GPR179-related conditions. ClinVar contains an entry for this variant (Variation ID: 892232). Algorithms developed to predict the effect of missense changes on protein structure and function are either unavailable or do not agree on the potential impact of this missense change (SIFT: "Deleterious"; PolyPhen-2: "Benign"; Align-GVGD: "Class C0"). In summary, the available evidence is currently insufficient to determine the role of this variant in disease. Therefore, it has been classified as a Variant of Uncertain Significance.

Illumina Laboratory Services, Illumina
Classification: Uncertain significance for Congenital stationary night blindness 1E. Last evaluated: 2018-01-13. Review status: criteria provided, single submitter. Criteria: ICSL Variant Classification Criteria 13 December 2019. Collection method: clinical testing. Allele origin: germline.

Breakthrough Genomics
Classification: Uncertain significance. Review status: criteria provided, single submitter. Criteria: ACMG Guidelines, 2015. Collection method: not provided. Allele origin: germline. Inheritance: Autosomal recessive inheritance. Affected: yes.